The following is an entry in ClinVar:

ClinVar aggregate classification (germline): Likely benign. Review status: criteria provided, multiple submitters, no conflicts (2 of 4 stars). 3 submissions from 3 submitters: Likely benign (3). Last evaluated 2025-10-22.

Conditions:
Nephronophthisis. Also called: Juvenile Nephronophthisis. Identifiers: Orphanet 655, MedGen C0687120, MONDO:0019005, HP:0000090.
NPHP4-related disorder. Also called: NPHP4-related condition; NPHP4-related disorders. Identifiers: MedGen CN239384.

Allele frequency attached by ClinVar (database versions not stated): gnomAD exomes 0.00016 and 0.00007; ExAC 0.00034; 1000 Genomes Project 30x 0.00047; 1000 Genomes Project 0.00060; gnomAD 0.00003; TOPMed 0.00003.
gnomAD v4.1: 105 of 1,574,914 alleles (0.0067%); highest among the groups gnomAD compares: South Asian, 0.11%; 2 homozygotes.

Submissions (3):

Labcorp Genetics (formerly Invitae), Labcorp
Classification: Likely benign for Nephronophthisis. Last evaluated: 2025-10-22. Review status: criteria provided, single submitter. Criteria: Invitae Variant Classification Sherloc (09022015). Collection method: clinical testing. Allele origin: germline.

PreventionGenetics, part of Exact Sciences
Classification: Likely benign for NPHP4-related condition. Last evaluated: 2025-03-19. Review status: criteria provided, single submitter. Criteria: ACMG Guidelines, 2015. Collection method: clinical testing. Allele origin: germline.
Comment: This variant is classified as likely benign based on ACMG/AMP sequence variant interpretation guidelines (Richards et al. 2015 PMID: 25741868, with internal and published modifications).

Blueprint Genetics
Classification: Likely benign. Last evaluated: 2023-05-17. Review status: criteria provided, single submitter. Criteria: ACMG Guidelines, 2015. Collection method: clinical testing. Allele origin: germline.

NM_015102.5(NPHP4):c.354A>G (p.Lys118=)

Gene: NPHP4 (nephrocystin 4; minus strand). Cytogenetic location: 1p36.31.
Variant type: single nucleotide variant.
Coding change: c.354A>G on transcript NM_015102.5 (MANE Select); coding-DNA position 354, A replaced by G.
Protein change: p.Lys118=; no amino-acid change (lysine 118 retained).
Molecular consequence: synonymous variant. On other transcripts: 5 prime UTR variant (2), non-coding transcript variant (1).
Genome position (GRCh38, 1-based): chr1:5,969,185, T>C on the plus strand (A>G on the coding strand, the complement: NPHP4 is on the minus strand). VCF-style: chr1-5969185-T-C. GRCh37 (hg19) VCF-style: chr1-6029245-T-C.
Other names: c.354A>G (NM_015102.4); c.-876A>G (NM_001291593.2); c.-1013A>G (NM_001291594.2).
Identifiers: ClinVar variation 1144291 (VCV001144291.12), dbSNP rs573826727, ClinGen allele CA554866.